The following is an entry in ClinVar:

NM_024426.6(WT1):c.620T>G (p.Leu207Arg)

Genes: WT1 (WT1 transcription factor; minus strand), LOC107982234 (WT1/WT1-AS bi-directional promoter region; plus strand). Cytogenetic location: 11p13.
Variant type: single nucleotide variant.
Coding change: c.620T>G on transcript NM_024426.6 (MANE Select); coding-DNA position 620, T replaced by G.
Protein change: p.Leu207Arg; replaces leucine 207 with arginine.
Molecular consequence: missense variant. On other transcripts: non-coding transcript variant (1).
Genome position (GRCh38, 1-based): chr11:32,434,741, A>C on the plus strand (T>G on the coding strand, the complement: WT1 is on the minus strand). VCF-style: chr11-32434741-A-C. GRCh37 (hg19) VCF-style: chr11-32456287-A-C.
Other names: c.620T>G, p.Leu207Arg (NM_000378.6, NM_024424.5); short protein forms L207R.
Identifiers: ClinVar variation 842948 (VCV000842948.16), dbSNP rs1258754686, ClinGen allele CA379964513.
Genomic context (GRCh38, chr11:32,434,741, plus strand): 5'-CGCTCCCCGGCCTACTTACCCTGATTGCGAATAGCGGGCTGGCTCTCGAGGCAGCTGGGC[A>C]GGTAGGGCGCGTTAGGAAACATCCTGGCCTGGCCGGATGACGCCTGGCTGGGCGGAGGAG-3'
Protein context (NP_077744.4, residues 197-217): QARMFPNAPY[Leu207Arg]PSCLESQPAI

ClinVar aggregate classification (germline): Uncertain significance. Review status: criteria provided, multiple submitters, no conflicts (2 of 4 stars). 8 submissions from 5 submitters: Uncertain significance (8). Last evaluated 2026-01-04.

Conditions:
Frasier syndrome. Identifiers: Orphanet 347, MedGen C0950122, MeSH D052159, MONDO:0007635, OMIM 136680.
Drash syndrome (DDS). Also called: WILMS TUMOR AND PSEUDO- OR TRUE HERMAPHRODITISM; NEPHROPATHY, WILMS TUMOR, AND GENITAL ANOMALIES. Identifiers: Orphanet 220, MedGen C0950121, MONDO:0008682, OMIM 194080.
Wilms tumor 1 (WT1). Also called: Wilms tumor, somatic. Identifiers: Orphanet 654, MedGen CN033288, MONDO:0008679, OMIM 194070.
11p partial monosomy syndrome (WAGR). Also called: WAGR Complex; WAGR syndrome; WAGR Spectrum Disorder; CHROMOSOME 11p13 DELETION SYNDROME. Identifiers: Orphanet 893, MedGen C0206115, MONDO:0008681, OMIM 194072.
Inborn genetic diseases. Identifiers: MedGen C0950123, MeSH D030342.
Nephrotic syndrome, type 4 (NPHS4). Also called: Familial mesangial sclerosis; Nephrotic syndrome, early onset with diffuse mesangial sclerosis. Identifiers: Orphanet 656, MedGen C3151568, MONDO:0009733, OMIM 256370.
Meacham syndrome. Also called: Meacham Winn Culler syndrome. Identifiers: Orphanet 3097, MedGen C1837026, MONDO:0012164, OMIM 608978.

Allele frequency attached by ClinVar (database versions not stated): gnomAD 0.00001; TOPMed 0.00002.
gnomAD v4.1: 18 of 1,612,830 alleles (0.0011%); highest among the groups gnomAD compares: Non-Finnish European, 0.0015%; no homozygotes.

Submissions (8):

Labcorp Genetics (formerly Invitae), Labcorp
Classification: Uncertain significance for Wilms tumor 1; Drash syndrome; 11p partial monosomy syndrome; Frasier syndrome. Last evaluated: 2026-01-04. Review status: criteria provided, single submitter. Criteria: Invitae Variant Classification Sherloc (09022015). Collection method: clinical testing. Allele origin: germline.
Comment: This sequence change replaces leucine, which is neutral and non-polar, with arginine, which is basic and polar, at codon 202 of the WT1 protein (p.Leu202Arg). This variant is not present in population databases (gnomAD no frequency). This variant has not been reported in the literature in individuals affected with WT1-related conditions. ClinVar contains an entry for this variant (Variation ID: 842948). Invitae Evidence Modeling of protein sequence and biophysical properties (such as structural, functional, and spatial information, amino acid conservation, physicochemical variation, residue mobility, and thermodynamic stability) indicates that this missense variant is expected to disrupt WT1 protein function with a positive predictive value of 80%. In summary, the available evidence is currently insufficient to determine the role of this variant in disease. Therefore, it has been classified as a Variant of Uncertain Significance.

Ambry Genetics
Classification: Uncertain significance for Inborn genetic diseases. Last evaluated: 2025-05-25. Review status: criteria provided, single submitter. Criteria: Ambry Variant Classification Scheme 2023. Collection method: clinical testing. Allele origin: germline.
Comment: The p.L202R variant (also known as c.605T>G), located in coding exon 1 of the WT1 gene, results from a T to G substitution at nucleotide position 605. The leucine at codon 202 is replaced by arginine, an amino acid with dissimilar properties. This amino acid position is highly conserved in available vertebrate species. In addition, the in silico prediction for this alteration is inconclusive. Based on the available evidence, the clinical significance of this variant remains unclear.

Baylor Genetics
Classification: Uncertain significance for Drash syndrome. Last evaluated: 2023-10-15. Review status: criteria provided, single submitter. Criteria: ACMG Guidelines, 2015. Collection method: clinical testing. Allele origin: unknown.

Institute for Clinical Genetics, University Hospital TU Dresden, University Hospital TU Dresden
Classification: Uncertain significance. Last evaluated: 2021-11-03. Review status: criteria provided, single submitter. Criteria: ACMG Guidelines, 2015. Collection method: clinical testing. Allele origin: germline.

Baylor Genetics
Classification: Uncertain significance for Wilms tumor 1. Last evaluated: 2018-04-17. Review status: criteria provided, single submitter. Criteria: ACMG Guidelines, 2015. Collection method: clinical testing. Allele origin: paternal. Affected: yes.
Comment: This variant was determined to be of uncertain significance according to ACMG Guidelines, 2015 [PMID:25741868].

Illumina Laboratory Services, Illumina
Classification: Uncertain significance for Nephrotic syndrome, type 4. Last evaluated: 2018-01-12. Review status: criteria provided, single submitter. Criteria: ICSL Variant Classification Criteria 13 December 2019. Collection method: clinical testing. Allele origin: germline.

Illumina Laboratory Services, Illumina
Classification: Uncertain significance for Meacham syndrome. Last evaluated: 2018-01-12. Review status: criteria provided, single submitter. Criteria: ICSL Variant Classification Criteria 13 December 2019. Collection method: clinical testing. Allele origin: germline.

Illumina Laboratory Services, Illumina
Classification: Uncertain significance for Wilms tumor 1. Last evaluated: 2018-01-12. Review status: criteria provided, single submitter. Criteria: ICSL Variant Classification Criteria 13 December 2019. Collection method: clinical testing. Allele origin: germline.